The following is an entry in ClinVar:

ClinVar aggregate classification (germline): Uncertain significance (1 of 4 stars; one submission).

Conditions:
Mucopolysaccharidosis, MPS-IV-B (MPS4B). Also called: MORQUIO SYNDROME B; Mucopolysaccharidosis Type IVB; Mucopolysaccharidosis type 4B; Mucopolysaccharidosis type IVB (Morquio); MPS IVB; Mucopolysaccharidosis type IV B. Identifiers: Orphanet 309310, Orphanet 582, MedGen C0086652, MONDO:0009660, OMIM 253010.
GM1 gangliosidosis. Identifiers: Orphanet 354, MedGen C0085131, MONDO:0018149.

Allele frequency attached by ClinVar (database versions not stated): TOPMed below 0.00001; gnomAD exomes 0.00001; ExAC 0.00005.
gnomAD v4.1: 10 of 1,614,126 alleles (0.00062%); highest among the groups gnomAD compares: Admixed American, 0.01%; no homozygotes.

Submissions (3):

Labcorp Genetics (formerly Invitae), Labcorp
Classification: Uncertain significance for Mucopolysaccharidosis, MPS-IV-B; GM1 gangliosidosis. Last evaluated: 2022-08-22. Review status: criteria provided, single submitter. Criteria: Invitae Variant Classification Sherloc (09022015). Collection method: clinical testing. Allele origin: germline.
Comment: This sequence change replaces leucine, which is neutral and non-polar, with phenylalanine, which is neutral and non-polar, at codon 305 of the GLB1 protein (p.Leu305Phe). This variant is present in population databases (rs772986593, gnomAD 0.02%). This variant has not been reported in the literature in individuals affected with GLB1-related conditions. Algorithms developed to predict the effect of missense changes on protein structure and function are either unavailable or do not agree on the potential impact of this missense change (SIFT: "Tolerated"; PolyPhen-2: "Probably Damaging"; Align-GVGD: "Class C0"). Algorithms developed to predict the effect of sequence changes on RNA splicing suggest that this variant may disrupt the consensus splice site. In summary, the available evidence is currently insufficient to determine the role of this variant in disease. Therefore, it has been classified as a Variant of Uncertain Significance.

Dr. Peter K. Rogan Lab, Western University
No classification provided (evidence only). Condition: Cervical cancer. Review status: no classification provided. Collection method: in vitro. Allele origin: not applicable. Functional consequence: skipped exon. Not counted in ClinVar's aggregate classification.

Dr. Peter K. Rogan Lab, Western University
No classification provided (evidence only). Condition: Cervical cancer. Review status: no classification provided. Collection method: in vitro. Allele origin: not applicable. Functional consequence: skipped exon, retained intron. Not counted in ClinVar's aggregate classification.

NM_000404.4(GLB1):c.915G>C (p.Leu305Phe)

Gene: GLB1 (galactosidase beta 1; minus strand). Cytogenetic location: 3p22.3.
Variant type: single nucleotide variant.
Coding change: c.915G>C on transcript NM_000404.4 (MANE Select); coding-DNA position 915, G replaced by C.
Protein change: p.Leu305Phe; replaces leucine 305 with phenylalanine.
Molecular consequence: missense variant.
Genome position (GRCh38, 1-based): chr3:33,051,798, C>G on the plus strand (G>C on the coding strand, the complement: GLB1 is on the minus strand). VCF-style: chr3-33051798-C-G. GRCh37 (hg19) VCF-style: chr3-33093290-C-G.
Other names: c.825G>C, p.Leu275Phe (NM_001079811.3); c.522G>C, p.Leu174Phe (NM_001135602.3); c.1059G>C, p.Leu353Phe (NM_001317040.2); c.915G>C, p.Leu305Phe (NM_001393580.1); short protein forms L353F, L305F, L174F, L275F.
Identifiers: ClinVar variation 1921716 (VCV001921716.3), dbSNP rs772986593, ClinGen allele CA2299558.